The following is an entry in ClinVar:

NM_000182.5(HADHA):c.1002del (p.Glu335fs)

Gene: HADHA (hydroxyacyl-CoA dehydrogenase trifunctional multienzyme complex subunit alpha; minus strand). Cytogenetic location: 2p23.3.
Variant type: Deletion.
Coding change: c.1002del on transcript NM_000182.5 (MANE Select); coding-DNA position 1002, one base deleted (A; older notation c.1002delA).
Protein change: p.Glu335fs; shifts the reading frame from glutamic acid 335.
Molecular consequence: frameshift variant.
Genome position (GRCh38, 1-based): chr2:26,209,863, T deleted on the plus strand (A on the coding strand, the reverse complement: HADHA is on the minus strand); the first of 3 consecutive T bases (chr2:26,209,863-26,209,865); deleting any one gives the same sequence. VCF-style (leftmost placement, unchanged base first): chr2-26209862-CT-C. GRCh37 (hg19) VCF-style: chr2-26432731-CT-C.
Other names: short protein forms E335fs.
Identifiers: ClinVar variation 2942354 (VCV002942354.3), dbSNP rs2465552438, ClinGen allele CA2740092781.

ClinVar aggregate classification (germline): Pathogenic (1 of 4 stars; one submission).

Conditions:
Mitochondrial trifunctional protein deficiency. Identifiers: Orphanet 746, MedGen C1969443, MONDO:0012172.
Long chain 3-hydroxyacyl-CoA dehydrogenase deficiency. Also called: Deficiency of long-chain 3-hydroxyacyl-coenzyme A dehydrogenase; LCHAD Deficiency. Identifiers: Orphanet 5, MedGen C3711645, MONDO:0012173, OMIM 609016.

Submission:

Labcorp Genetics (formerly Invitae), Labcorp
Classification: Pathogenic for Mitochondrial trifunctional protein deficiency; Long chain 3-hydroxyacyl-CoA dehydrogenase deficiency. Last evaluated: 2022-12-15. Review status: criteria provided, single submitter. Criteria: Invitae Variant Classification Sherloc (09022015). Collection method: clinical testing. Allele origin: germline.
Comment: This variant has not been reported in the literature in individuals affected with HADHA-related conditions. For these reasons, this variant has been classified as Pathogenic. This variant is not present in population databases (gnomAD no frequency). This sequence change creates a premature translational stop signal (p.Glu335Asnfs*5) in the HADHA gene. It is expected to result in an absent or disrupted protein product. Loss-of-function variants in HADHA are known to be pathogenic (PMID: 7738175, 21103935, 21549624, 22459206).

Literature cited by the submitters: PubMed 7738175; PubMed 21103935; PubMed 21549624; PubMed 22459206.